The following is an entry in ClinVar:

NM_004211.5(SLC6A5):c.988T>C (p.Ser330Pro)

Gene: SLC6A5 (solute carrier family 6 member 5; plus strand). Cytogenetic location: 11p15.1.
Variant type: single nucleotide variant.
Coding change: c.988T>C on transcript NM_004211.5 (MANE Select); coding-DNA position 988, T replaced by C.
Protein change: p.Ser330Pro; replaces serine 330 with proline.
Molecular consequence: missense variant.
Genome position (GRCh38, 1-based): chr11:20,614,681, T>C. VCF-style: chr11-20614681-T-C. GRCh37 (hg19) VCF-style: chr11-20636227-T-C.
Other names: c.286T>C, p.Ser96Pro (NM_001318369.2); short protein forms S330P, S96P.
Identifiers: ClinVar variation 2635318 (VCV002635318.1), dbSNP rs2133784596, ClinGen allele CA379915521.

ClinVar aggregate classification (germline): Uncertain significance (1 of 4 stars; one submission).

Conditions:
SLC6A5-related disorder. Also called: SLC6A5-related condition.

Submission:

PreventionGenetics, part of Exact Sciences
Classification: Uncertain significance for SLC6A5-related condition. Last evaluated: 2022-12-08. Review status: criteria provided, single submitter. Criteria: ACMG Guidelines, 2015. Collection method: clinical testing. Allele origin: germline.
Comment: The SLC6A5 c.988T>C variant is predicted to result in the amino acid substitution p.Ser330Pro. To our knowledge, this variant has not been reported in the literature or in a large population database, indicating this variant is rare. At this time, the clinical significance of this variant is uncertain due to the absence of conclusive functional and genetic evidence.